The following is an entry in ClinVar:

ClinVar aggregate classification (germline): Uncertain significance. Review status: criteria provided, multiple submitters, no conflicts (2 of 4 stars). 2 submissions from 2 submitters: Uncertain significance (2). Last evaluated 2024-05-15.

Conditions:
Cardiovascular phenotype. Identifiers: MedGen CN230736.
Hereditary cancer-predisposing syndrome. Also called: Neoplastic Syndromes, Hereditary; Tumor predisposition; Hereditary neoplastic syndrome; Hereditary Cancer Syndrome. Identifiers: Orphanet 140162, MedGen C0027672, MeSH D009386, MONDO:0015356.
Neurofibromatosis, type 1 (NF1). Also called: Peripheral type neurofibromatosis; VON RECKLINGHAUSEN DISEASE; NEUROFIBROMATOSIS, TYPE I, SOMATIC; Neurofibromatosis, type I. Identifiers: Orphanet 636, MedGen C0027831, MONDO:0018975, OMIM 162200. Disease mechanism: loss of function.

Submissions (2):

Labcorp Genetics (formerly Invitae), Labcorp
Classification: Uncertain significance for Neurofibromatosis, type 1. Last evaluated: 2024-05-15. Review status: criteria provided, single submitter. Criteria: Invitae Variant Classification Sherloc (09022015). Collection method: clinical testing. Allele origin: germline.
Comment: This sequence change replaces histidine, which is basic and polar, with arginine, which is basic and polar, at codon 2078 of the NF1 protein (p.His2078Arg). This variant is not present in population databases (gnomAD no frequency). This variant has not been reported in the literature in individuals affected with NF1-related conditions. ClinVar contains an entry for this variant (Variation ID: 1752350). Advanced modeling of protein sequence and biophysical properties (such as structural, functional, and spatial information, amino acid conservation, physicochemical variation, residue mobility, and thermodynamic stability) performed at Invitae indicates that this missense variant is expected to disrupt NF1 protein function with a positive predictive value of 95%. In summary, the available evidence is currently insufficient to determine the role of this variant in disease. Therefore, it has been classified as a Variant of Uncertain Significance.

Ambry Genetics
Classification: Uncertain significance for Cardiovascular phenotype; Hereditary cancer-predisposing syndrome. Last evaluated: 2021-09-07. Review status: criteria provided, single submitter. Criteria: Ambry Variant Classification Scheme 2023. Collection method: clinical testing. Allele origin: germline.
Comment: The p.H2078R variant (also known as c.6233A>G), located in coding exon 41 of the NF1 gene, results from an A to G substitution at nucleotide position 6233. The histidine at codon 2078 is replaced by arginine, an amino acid with highly similar properties. This amino acid position is highly conserved in available vertebrate species. In addition, this alteration is predicted to be deleterious by in silico analysis. Since supporting evidence is limited at this time, the clinical significance of this alteration remains unclear.

NM_001042492.3(NF1):c.6296A>G (p.His2099Arg)

Gene: NF1 (neurofibromin 1; plus strand). Cytogenetic location: 17q11.2.
Variant type: single nucleotide variant.
Coding change: c.6296A>G on transcript NM_001042492.3 (MANE Select); coding-DNA position 6296, A replaced by G.
Protein change: p.His2099Arg; replaces histidine 2099 with arginine.
Molecular consequence: missense variant.
Genome position (GRCh38, 1-based): chr17:31,336,783, A>G. VCF-style: chr17-31336783-A-G. GRCh37 (hg19) VCF-style: chr17-29663801-A-G.
Other names: c.6233A>G, p.His2078Arg (NM_000267.4); short protein forms H2078R, H2099R.
Identifiers: ClinVar variation 1752350 (VCV001752350.5), dbSNP rs2508749096, ClinGen allele CA399012231.